The following is an entry in ClinVar:

ClinVar aggregate classification (germline): Conflicting classifications of pathogenicity. Review status: criteria provided, conflicting classifications (1 of 4 stars). 2 submissions from 2 submitters: Uncertain significance (1); Benign (1). Last evaluated 2024-10-14.

Conditions:
Atrioventricular septal defect 4 (AVSD4). Identifiers: MedGen C3280781, MONDO:0013747, OMIM 614430.
GATA4-related disorder. Also called: GATA4-related condition. Identifiers: MedGen CN860321.

Allele frequency attached by ClinVar (database versions not stated): gnomAD 0.00016 and 0.00012; TOPMed 0.00016.
gnomAD v4.1: 20 of 152,130 alleles (0.013%); highest among the groups gnomAD compares: East Asian, 0.17%; no homozygotes.

Submissions (2):

PreventionGenetics, part of Exact Sciences
Classification: Uncertain significance for GATA4-related condition. Last evaluated: 2024-10-14. Review status: criteria provided, single submitter. Criteria: ACMG Guidelines, 2015. Collection method: clinical testing. Allele origin: germline.
Comment: The GATA4 c.-1407C>A variant is located in the 5' untranslated region. This variant was reported in three individuals with ventricular septal defect (Reported as g.4148C>A in Wu et al. 2012. PubMed ID: 22500510; Reported as g.31437C>A in Fan et al. 2021. PubMed ID: 34193080). However, this variant is reported in 0.32% of alleles in individuals of East Asian descent in gnomAD. Although we suspect that this variant may be benign, at this time, the clinical significance of this variant is uncertain due to the absence of conclusive functional and genetic evidence.

Labcorp Genetics (formerly Invitae), Labcorp
Classification: Benign for Atrioventricular septal defect 4. Last evaluated: 2022-07-25. Review status: criteria provided, single submitter. Criteria: Invitae Variant Classification Sherloc (09022015). Collection method: clinical testing. Allele origin: germline.

NC_000008.11:g.11703355C>A

Genes: GATA4 (GATA binding protein 4), LOC110121280 (VISTA enhancer hs2204). Cytogenetic location: 8p23.1.
Variant type: single nucleotide variant.
Molecular consequence: intron variant (on NM_001308094.2).
Genome position: GRCh38 VCF-style: chr8-11703355-C-A. GRCh37 (hg19) VCF-style: chr8-11560864-C-A.
Other names: c.-6+2577C>A (NM_001308094.2).
Identifiers: ClinVar variation 539983 (VCV000539983.11), dbSNP rs769262495, ClinGen allele CA172069820.